The following is an entry in ClinVar:

ClinVar aggregate classification (germline): Uncertain significance (1 of 4 stars; one submission).

Submission:

Dasa
Classification: Uncertain significance. Last evaluated: 2025-06-17. Review status: criteria provided, single submitter. Criteria: DASA Assertion Criteria. Collection method: clinical testing. Allele origin: germline.
Comment: NM_013254.4(TBK1):c.170A>G (p.Glu57Gly) is a missense variant that results in the substitution of glutamic acid with glycine. This variant is rare in population databases. The currently available literature and clinical evidence are not sufficient to establish a definitive association between this variant and the reported condition. Therefore, this variant is classified as a variant of uncertain significance.

NM_013254.4(TBK1):c.170A>G (p.Glu57Gly)

Gene: TBK1 (TANK binding kinase 1; plus strand). Cytogenetic location: 12q14.2.
Variant type: single nucleotide variant.
Coding change: c.170A>G on transcript NM_013254.4 (MANE Select); coding-DNA position 170, A replaced by G.
Protein change: p.Glu57Gly; replaces glutamic acid 57 with glycine.
Molecular consequence: missense variant.
Genome position (GRCh38, 1-based): chr12:64,460,271, A>G. VCF-style: chr12-64460271-A-G. GRCh37 (hg19) VCF-style: chr12-64854051-A-G.
Other names: short protein forms E57G.
Identifiers: ClinVar variation 4885766 (VCV004885766.2).